The following is an entry in ClinVar:

NM_006261.5(PROP1):c.340C>T (p.Gln114Ter)

Gene: PROP1 (PROP paired-like homeobox 1; minus strand). Cytogenetic location: 5q35.3.
Variant type: single nucleotide variant.
Coding change: c.340C>T on transcript NM_006261.5 (MANE Select); coding-DNA position 340, C replaced by T.
Protein change: p.Gln114Ter; replaces glutamine 114 with a stop codon.
Molecular consequence: nonsense.
Genome position (GRCh38, 1-based): chr5:177,994,108, G>A on the plus strand (C>T on the coding strand, the complement: PROP1 is on the minus strand). VCF-style: chr5-177994108-G-A. GRCh37 (hg19) VCF-style: chr5-177421109-G-A.
Other names: short protein forms Q114*.
Identifiers: ClinVar variation 558722 (VCV000558722.7), dbSNP rs1554182481, ClinGen allele CA362378946.

ClinVar aggregate classification (germline): Pathogenic. Review status: criteria provided, single submitter (1 of 4 stars). 2 submissions from 2 submitters: Pathogenic (1). 1 of the submissions does not count toward it. Last evaluated 2022-04-08.

Conditions:
Pituitary hormone deficiency, combined, 2. Also called: PROP1-Related Combined Pituitary Hormone Deficiency; ATELIOTIC DWARFISM WITH HYPOGONADISM; PITUITARY DWARFISM III; HANHART DWARFISM. Identifiers: MedGen C0878683, MONDO:0009878, OMIM 262600.

Submissions (2):

Labcorp Genetics (formerly Invitae), Labcorp
Classification: Pathogenic. Last evaluated: 2022-04-08. Review status: criteria provided, single submitter. Criteria: Invitae Variant Classification Sherloc (09022015). Collection method: clinical testing. Allele origin: germline.
Comment: This sequence change creates a premature translational stop signal (p.Gln114*) in the PROP1 gene. While this is not anticipated to result in nonsense mediated decay, it is expected to disrupt the last 113 amino acid(s) of the PROP1 protein. This variant is not present in population databases (gnomAD no frequency). This variant has not been reported in the literature in individuals affected with PROP1-related conditions. ClinVar contains an entry for this variant (Variation ID: 558722). Algorithms developed to predict the effect of sequence changes on RNA splicing suggest that this variant may disrupt the consensus splice site. This variant disrupts a region of the PROP1 protein in which other variant(s) (p.Trp194*) have been determined to be pathogenic (PMID: 15941866, 20381582). This suggests that this is a clinically significant region of the protein, and that variants that disrupt it are likely to be disease-causing. For these reasons, this variant has been classified as Pathogenic.

Counsyl
Classification: Likely pathogenic for Pituitary hormone deficiency, combined, 2. Last evaluated: 2018-06-07. Review status: no assertion criteria provided. Collection method: clinical testing. Allele origin: unknown. Not counted in ClinVar's aggregate classification.

Literature cited by the submitters: PubMed 15941866 (cited by Labcorp Genetics (formerly Invitae), Labcorp); PubMed 20381582 (cited by Labcorp Genetics (formerly Invitae), Labcorp).